The following is an entry in ClinVar:

ClinVar aggregate classification (germline): Pathogenic (1 of 4 stars; one submission).

Submission:

Labcorp Genetics (formerly Invitae), Labcorp
Classification: Pathogenic. Last evaluated: 2024-03-06. Review status: criteria provided, single submitter. Criteria: Invitae Variant Classification Sherloc (09022015). Collection method: clinical testing. Allele origin: germline.
Comment: This sequence change creates a premature translational stop signal (p.Leu466*) in the VPS13A gene. It is expected to result in an absent or disrupted protein product. Loss-of-function variants in VPS13A are known to be pathogenic (PMID: 12404112, 21598378). This variant is not present in population databases (gnomAD no frequency). This variant has not been reported in the literature in individuals affected with VPS13A-related conditions. For these reasons, this variant has been classified as Pathogenic.

Literature cited by the submitters: PubMed 12404112; PubMed 21598378.

NM_033305.3(VPS13A):c.1396_1400del (p.Leu465_Leu466insTer)

Gene: VPS13A (vacuolar protein sorting 13 homolog A; plus strand). Cytogenetic location: 9q21.2.
Variant type: Deletion.
Coding change: c.1396_1400del on transcript NM_033305.3 (MANE Select); coding-DNA positions 1396 to 1400, 5 bases deleted (CTCTA; older notation c.1396_1400delCTCTA).
Protein change: p.Leu465_Leu466insTer.
Molecular consequence: nonsense.
Genome position (GRCh38, 1-based): chr9:77,227,429-77,227,433, CTCTA deleted; deleting any 5 consecutive bases within chr9:77,227,427-77,227,433 gives the same sequence; the c. name uses the placement nearest the transcript's 3' end. VCF-style (leftmost placement, unchanged base first): chr9-77227426-TTACTC-T. GRCh37 (hg19) VCF-style: chr9-79842342-TTACTC-T.
Other names: c.1396_1400del, p.Leu465_Leu466insTer (NM_001018037.2, NM_001018038.3, NM_015186.4).
Identifiers: ClinVar variation 3681266 (VCV003681266.2).